The following is an entry in ClinVar:

NM_001330588.2(TPP2):c.959A>G (p.His320Arg)

Gene: TPP2 (tripeptidyl peptidase 2; plus strand). Cytogenetic location: 13q33.1.
Variant type: single nucleotide variant.
Coding change: c.959A>G on transcript NM_001330588.2 (MANE Select); coding-DNA position 959, A replaced by G.
Protein change: p.His320Arg; replaces histidine 320 with arginine.
Molecular consequence: missense variant. On other transcripts: non-coding transcript variant (1).
Genome position (GRCh38, 1-based): chr13:102,627,867, A>G. VCF-style: chr13-102627867-A-G. GRCh37 (hg19) VCF-style: chr13-103280217-A-G.
Other names: c.959A>G, p.His320Arg (NM_001367947.1, NM_003291.4); c.959A>G (NM_003291.2); short protein forms H320R.
Identifiers: ClinVar variation 2064261 (VCV002064261.2), dbSNP rs773509201, ClinGen allele CA7037633.

ClinVar aggregate classification (germline): Uncertain significance. Review status: criteria provided, multiple submitters, no conflicts (2 of 4 stars). 2 submissions from 2 submitters: Uncertain significance (2). Last evaluated 2025-01-07.

Conditions:
Evans syndrome, immunodeficiency, and premature immunosenescence associated with tripeptidyl-peptidase II deficiency. Identifiers: MedGen CN231723. Disease mechanism: loss of function.
Inborn genetic diseases. Identifiers: MedGen C0950123, MeSH D030342.

Allele frequency attached by ClinVar (database versions not stated): ExAC 0.00001; gnomAD 0.00001; gnomAD exomes 0.00002.
gnomAD v4.1: 30 of 1,613,384 alleles (0.0019%); highest among the groups gnomAD compares: Admixed American, 0.0033%; no homozygotes.

Submissions (2):

Ambry Genetics
Classification: Uncertain significance for Inborn genetic diseases. Last evaluated: 2025-01-07. Review status: criteria provided, single submitter. Criteria: Ambry Variant Classification Scheme 2023. Collection method: clinical testing. Allele origin: germline.

Labcorp Genetics (formerly Invitae), Labcorp
Classification: Uncertain significance for Evans syndrome, immunodeficiency, and premature immunosenescence associated with tripeptidyl-peptidase II deficiency. Last evaluated: 2022-02-02. Review status: criteria provided, single submitter. Criteria: Invitae Variant Classification Sherloc (09022015). Collection method: clinical testing. Allele origin: germline.
Comment: This sequence change replaces histidine, which is basic and polar, with arginine, which is basic and polar, at codon 320 of the TPP2 protein (p.His320Arg). This variant is present in population databases (rs773509201, gnomAD 0.006%). This variant has not been reported in the literature in individuals affected with TPP2-related conditions. Algorithms developed to predict the effect of missense changes on protein structure and function (SIFT, PolyPhen-2, Align-GVGD) all suggest that this variant is likely to be tolerated. Algorithms developed to predict the effect of sequence changes on RNA splicing suggest that this variant may create or strengthen a splice site. In summary, the available evidence is currently insufficient to determine the role of this variant in disease. Therefore, it has been classified as a Variant of Uncertain Significance.